The following is an entry in ClinVar:

NM_000088.4(COL1A1):c.1544G>C (p.Gly515Ala)

Gene: COL1A1 (collagen type I alpha 1 chain; minus strand). Cytogenetic location: 17q21.33.
Variant type: single nucleotide variant.
Coding change: c.1544G>C on transcript NM_000088.4 (MANE Select); coding-DNA position 1544, G replaced by C.
Protein change: p.Gly515Ala; replaces glycine 515 with alanine.
Molecular consequence: missense variant.
Genome position (GRCh38, 1-based): chr17:50,194,419, C>G on the plus strand (G>C on the coding strand, the complement: COL1A1 is on the minus strand). VCF-style: chr17-50194419-C-G. GRCh37 (hg19) VCF-style: chr17-48271780-C-G.
Other names: short protein forms G515A.
Identifiers: ClinVar variation 35901 (VCV000035901.3), dbSNP rs193922140, ClinGen allele CA260275.

ClinVar aggregate classification (germline): Likely pathogenic (1 of 4 stars; one submission).

Conditions:
Osteogenesis imperfecta (OI). Identifiers: Orphanet 666, MedGen C0029434, MeSH D010013, MONDO:0019019.

Submission:

Women's Health and Genetics/Laboratory Corporation of America, LabCorp
Classification: Likely pathogenic for Osteogenesis Imperfecta. Last evaluated: 2011-08-18. Review status: criteria provided, single submitter. Criteria: LabCorp Variant Classification Summary - May 2015. Collection method: curation, clinical testing. Allele origin: germline. Inheritance: autosomal unknown. Affected: yes.
ClinVar note: Converted during submission from likely pathogenic to Likely pathogenic.